The following is an entry in ClinVar:

ClinVar aggregate classification (germline): Likely pathogenic (1 of 4 stars; one submission).

Submission:

Institute for Clinical Genetics, University Hospital TU Dresden, University Hospital TU Dresden
Classification: Likely pathogenic. Last evaluated: 2022-09-15. Review status: criteria provided, single submitter. Criteria: ACMG Guidelines, 2015. Collection method: clinical testing. Allele origin: de novo.
Comment: PS2, PM2_SUP, PP2

NM_001127644.2(GABRA1):c.1003A>C (p.Asn335His)

Gene: GABRA1 (gamma-aminobutyric acid type A receptor subunit alpha1; plus strand). Cytogenetic location: 5q34.
Variant type: single nucleotide variant.
Coding change: c.1003A>C on transcript NM_001127644.2 (MANE Select); coding-DNA position 1003, A replaced by C.
Protein change: p.Asn335His; replaces asparagine 335 with histidine.
Molecular consequence: missense variant.
Genome position (GRCh38, 1-based): chr5:161,895,812, A>C. VCF-style: chr5-161895812-A-C. GRCh37 (hg19) VCF-style: chr5-161322818-A-C.
Other names: c.1003A>C, p.Asn335His (NM_000806.5, NM_001127643.2, NM_001127645.2 and 1 more transcripts); short protein forms N335H.
Identifiers: ClinVar variation 2575932 (VCV002575932.1), dbSNP rs2532292328, ClinGen allele CA362180381.